The following is an entry in ClinVar:

ClinVar aggregate classification (germline): Uncertain significance. Review status: criteria provided, multiple submitters, no conflicts (2 of 4 stars). 2 submissions from 2 submitters: Uncertain significance (2). Last evaluated 2025-04-20.

Conditions:
Cardiovascular phenotype. Identifiers: MedGen CN230736.

Allele frequency attached by ClinVar (database versions not stated): gnomAD 0.00001; TOPMed 0.00001; gnomAD exomes 0.00002.
gnomAD v4.1: 15 of 1,613,812 alleles (0.00093%); highest among the groups gnomAD compares: Non-Finnish European, 0.0012%; no homozygotes.

Submissions (2):

Ambry Genetics
Classification: Uncertain significance for Cardiovascular phenotype. Last evaluated: 2025-04-20. Review status: criteria provided, single submitter. Criteria: Ambry Variant Classification Scheme 2023. Collection method: clinical testing. Allele origin: germline.
Comment: The p.P554S variant (also known as c.1660C>T), located in coding exon 5 of the ALPK3 gene, results from a C to T substitution at nucleotide position 1660. The proline at codon 554 is replaced by serine, an amino acid with similar properties. This amino acid position is conserved. In addition, this alteration is predicted to be tolerated by in silico analysis. Since supporting evidence is limited at this time, the clinical significance of this alteration remains unclear.

Labcorp Genetics (formerly Invitae), Labcorp
Classification: Uncertain significance. Last evaluated: 2022-06-15. Review status: criteria provided, single submitter. Criteria: Invitae Variant Classification Sherloc (09022015). Collection method: clinical testing. Allele origin: germline.
Comment: In summary, the available evidence is currently insufficient to determine the role of this variant in disease. Therefore, it has been classified as a Variant of Uncertain Significance. Algorithms developed to predict the effect of missense changes on protein structure and function output the following: SIFT: "Tolerated"; PolyPhen-2: "Benign"; Align-GVGD: "Class C0". The serine amino acid residue is found in multiple mammalian species, which suggests that this missense change does not adversely affect protein function. This variant has not been reported in the literature in individuals affected with ALPK3-related conditions. This variant is present in population databases (no rsID available, gnomAD 0.003%). This sequence change replaces proline, which is neutral and non-polar, with serine, which is neutral and polar, at codon 554 of the ALPK3 protein (p.Pro554Ser).

NM_020778.5(ALPK3):c.1054C>T (p.Pro352Ser)

Gene: ALPK3 (alpha kinase 3; plus strand). Cytogenetic location: 15q25.3.
Variant type: single nucleotide variant.
Coding change: c.1054C>T on transcript NM_020778.5 (MANE Select); coding-DNA position 1054, C replaced by T.
Protein change: p.Pro352Ser; replaces proline 352 with serine.
Molecular consequence: missense variant.
Genome position (GRCh38, 1-based): chr15:84,840,333, C>T. VCF-style: chr15-84840333-C-T. GRCh37 (hg19) VCF-style: chr15-85383564-C-T.
Other names: short protein forms P352S.
Identifiers: ClinVar variation 1777480 (VCV001777480.8), dbSNP rs1322269368, ClinGen allele CA393374264.